The following is an entry in ClinVar:

ClinVar aggregate classification (germline): Uncertain significance. Review status: criteria provided, multiple submitters, no conflicts (2 of 4 stars). 2 submissions from 2 submitters: Uncertain significance (2). Last evaluated 2024-05-19.

Conditions:
Multiple congenital anomalies-hypotonia-seizures syndrome 1 (MCAHS1). Also called: GLYCOSYLPHOSPHATIDYLINOSITOL BIOSYNTHESIS DEFECT 3; PIGN-CDG; Congenital disorder of glycosylation due to PIGN deficiency. Identifiers: Orphanet 280633, MedGen C3279775, MONDO:0013563, OMIM 614080.

Allele frequency attached by ClinVar (database versions not stated): gnomAD exomes 0.00003; gnomAD 0.00006 and 0.00008; TOPMed 0.00006; ESP Exome Variant Server 0.00008.
gnomAD v4.1: 138 of 1,611,874 alleles (0.0086%); highest among the groups gnomAD compares: Non-Finnish European, 0.011%; no homozygotes.

Submissions (2):

GeneDx
Classification: Uncertain significance. Last evaluated: 2024-05-19. Review status: criteria provided, single submitter. Criteria: GeneDx Variant Classification Process June 2021. Collection method: clinical testing. Allele origin: germline. Affected: yes.
Comment: Not observed at significant frequency in large population cohorts (gnomAD); In silico analysis supports that this missense variant has a deleterious effect on protein structure/function; Has not been previously published as pathogenic or benign to our knowledge

Labcorp Genetics (formerly Invitae), Labcorp
Classification: Uncertain significance for Multiple congenital anomalies-hypotonia-seizures syndrome 1. Last evaluated: 2022-04-29. Review status: criteria provided, single submitter. Criteria: Invitae Variant Classification Sherloc (09022015). Collection method: clinical testing. Allele origin: germline.
Comment: This sequence change replaces tyrosine, which is neutral and polar, with serine, which is neutral and polar, at codon 106 of the PIGN protein (p.Tyr106Ser). This variant is present in population databases (rs368280915, gnomAD 0.008%). This variant has not been reported in the literature in individuals affected with PIGN-related conditions. ClinVar contains an entry for this variant (Variation ID: 571201). Algorithms developed to predict the effect of missense changes on protein structure and function are either unavailable or do not agree on the potential impact of this missense change (SIFT: "Tolerated"; PolyPhen-2: "Probably Damaging"; Align-GVGD: "Class C0"). In summary, the available evidence is currently insufficient to determine the role of this variant in disease. Therefore, it has been classified as a Variant of Uncertain Significance.

NM_176787.5(PIGN):c.317A>C (p.Tyr106Ser)

Gene: PIGN (phosphatidylinositol glycan anchor biosynthesis class N; minus strand). Cytogenetic location: 18q21.33.
Variant type: single nucleotide variant.
Coding change: c.317A>C on transcript NM_176787.5 (MANE Select); coding-DNA position 317, A replaced by C.
Protein change: p.Tyr106Ser; replaces tyrosine 106 with serine.
Molecular consequence: missense variant.
Genome position (GRCh38, 1-based): chr18:62,157,713, T>G on the plus strand (A>C on the coding strand, the complement: PIGN is on the minus strand). VCF-style: chr18-62157713-T-G. GRCh37 (hg19) VCF-style: chr18-59824946-T-G.
Other names: c.317A>C, p.Tyr106Ser (NM_012327.6); short protein forms Y106S.
Identifiers: ClinVar variation 571201 (VCV000571201.7), dbSNP rs368280915, ClinGen allele CA8982613.